The following is an entry in ClinVar:

ClinVar aggregate classification (germline): Uncertain significance (1 of 4 stars; one submission).

Submission:

Labcorp Genetics (formerly Invitae), Labcorp
Classification: Uncertain significance. Last evaluated: 2023-10-13. Review status: criteria provided, single submitter. Criteria: Invitae Variant Classification Sherloc (09022015). Collection method: clinical testing. Allele origin: germline.
Comment: This sequence change replaces threonine, which is neutral and polar, with isoleucine, which is neutral and non-polar, at codon 90 of the IL12RB2 protein (p.Thr90Ile). This variant is not present in population databases (gnomAD no frequency). This variant has not been reported in the literature in individuals affected with IL12RB2-related conditions. ClinVar contains an entry for this variant (Variation ID: 1361230). An algorithm developed to predict the effect of missense changes on protein structure and function (PolyPhen-2) suggests that this variant is likely to be disruptive. In summary, the available evidence is currently insufficient to determine the role of this variant in disease. Therefore, it has been classified as a Variant of Uncertain Significance.

NM_001374259.2(IL12RB2):c.269C>T (p.Thr90Ile)

Gene: IL12RB2 (interleukin 12 receptor subunit beta 2; plus strand). Cytogenetic location: 1p31.3.
Variant type: single nucleotide variant.
Coding change: c.269C>T on transcript NM_001374259.2 (MANE Select); coding-DNA position 269, C replaced by T.
Protein change: p.Thr90Ile; replaces threonine 90 with isoleucine.
Molecular consequence: missense variant. On other transcripts: non-coding transcript variant (2).
Genome position (GRCh38, 1-based): chr1:67,321,794, C>T. VCF-style: chr1-67321794-C-T. GRCh37 (hg19) VCF-style: chr1-67787477-C-T.
Other names: c.269C>T, p.Thr90Ile (NM_001258214.1, NM_001258215.1, NM_001258216.1 and 2 more transcripts); short protein forms T90I.
Identifiers: ClinVar variation 1361230 (VCV001361230.6), dbSNP rs113388194, ClinGen allele CA23495672.